The following is an entry in ClinVar:

NM_001009944.3(PKD1):c.4486G>A (p.Ala1496Thr)

Gene: PKD1 (polycystin 1, transient receptor potential channel interacting; minus strand). Cytogenetic location: 16p13.3.
Variant type: single nucleotide variant.
Coding change: c.4486G>A on transcript NM_001009944.3 (MANE Select); coding-DNA position 4486, G replaced by A.
Protein change: p.Ala1496Thr; replaces alanine 1496 with threonine.
Molecular consequence: missense variant.
Genome position (GRCh38, 1-based): chr16:2,110,681, C>T on the plus strand (G>A on the coding strand, the complement: PKD1 is on the minus strand). VCF-style: chr16-2110681-C-T. GRCh37 (hg19) VCF-style: chr16-2160682-C-T.
Other names: c.4486G>A, p.Ala1496Thr (NM_000296.4); short protein forms A1496T.
Identifiers: ClinVar variation 2395133 (VCV002395133.27), dbSNP rs557937095, ClinGen allele CA7832355.

ClinVar aggregate classification (germline): Conflicting classifications of pathogenicity. Review status: criteria provided, conflicting classifications (1 of 4 stars). 2 submissions from 2 submitters: Uncertain significance (1); Likely benign (1). Last evaluated 2024-11-09.

Conditions:
Inborn genetic diseases. Identifiers: MedGen C0950123, MeSH D030342.

Allele frequency attached by ClinVar (database versions not stated): ExAC 0.00004; gnomAD 0.00008; TOPMed 0.00010; 1000 Genomes Project 30x 0.00016; 1000 Genomes Project 0.00020.
gnomAD v4.1: 128 of 1,610,288 alleles (0.0079%); highest among the groups gnomAD compares: Admixed American, 0.038%; no homozygotes.

Submissions (2):

Ambry Genetics
Classification: Uncertain significance for Inborn genetic diseases. Last evaluated: 2024-11-09. Review status: criteria provided, single submitter. Criteria: Ambry Variant Classification Scheme 2023. Collection method: clinical testing. Allele origin: germline.

CeGaT Center for Human Genetics Tuebingen
Classification: Likely benign. Last evaluated: 2022-04-01. Review status: criteria provided, single submitter. Criteria: CeGaT Center For Human Genetics Tuebingen Variant Classification Criteria Version 2. Collection method: clinical testing. Allele origin: germline. Affected: yes. Observed: 1 variant allele.
Comment: PKD1: BP4, BS1